The following is an entry in ClinVar:

NM_000444.6(PHEX):c.328_330del (p.Asn110del)

Gene: PHEX (phosphate regulating endopeptidase X-linked; plus strand). Cytogenetic location: Xp22.11.
Variant type: Deletion.
Coding change: c.328_330del on transcript NM_000444.6 (MANE Select); coding-DNA positions 328 to 330, 3 bases deleted (AAT; older notation c.328_330delAAT).
Protein change: p.Asn110del; deletes asparagine 110.
Molecular consequence: inframe deletion.
Genome position (GRCh38, 1-based): chrX:22,047,190-22,047,192, AAT deleted; deleting any 3 consecutive bases within chrX:22,047,188-22,047,192 gives the same sequence; the c. name uses the placement nearest the transcript's 3' end. VCF-style (leftmost placement, unchanged base first): chrX-22047187-CATA-C. GRCh37 (hg19) VCF-style: chrX-22065305-CATA-C.
Other names: c.328_330del, p.Asn110del (NM_001282754.2); short protein forms N110del.
Identifiers: ClinVar variation 2138490 (VCV002138490.5), dbSNP rs2519722622, ClinGen allele CA2580100474.

ClinVar aggregate classification (germline): Conflicting classifications of pathogenicity. Review status: criteria provided, conflicting classifications (1 of 4 stars). 2 submissions from 2 submitters: Likely pathogenic (1); Uncertain significance (1). Last evaluated 2022-07-07.

Conditions:
PHEX-related disorder. Also called: PHEX-related condition.

Submissions (2):

Labcorp Genetics (formerly Invitae), Labcorp
Classification: Uncertain significance. Last evaluated: 2022-07-07. Review status: criteria provided, single submitter. Criteria: Invitae Variant Classification Sherloc (09022015). Collection method: clinical testing. Allele origin: germline.
Comment: In summary, the available evidence is currently insufficient to determine the role of this variant in disease. Therefore, it has been classified as a Variant of Uncertain Significance. Experimental studies and prediction algorithms are not available or were not evaluated, and the functional significance of this variant is currently unknown. This variant has been observed in individual(s) with clinical features of hypophosphatemia (PMID: 18625346; Invitae). This variant is not present in population databases (gnomAD no frequency). This variant, c.328_330del, results in the deletion of 1 amino acid(s) of the PHEX protein (p.Asn110del), but otherwise preserves the integrity of the reading frame.

Blueprint Genetics
Classification: Likely pathogenic for PHEX-related disorders. Last evaluated: 2021-08-12. Review status: criteria provided, single submitter. Criteria: ACMG Guidelines, 2015. Collection method: clinical testing. Allele origin: germline. Affected: yes. Observed: 2 variant alleles.

Literature cited by the submitters: PubMed 18625346 (cited by Labcorp Genetics (formerly Invitae), Labcorp).